The following is an entry in ClinVar:

NM_000245.4(MET):c.432T>A (p.His144Gln)

Gene: MET (MET proto-oncogene, receptor tyrosine kinase; plus strand). Cytogenetic location: 7q31.2.
Variant type: single nucleotide variant.
Coding change: c.432T>A on transcript NM_000245.4 (MANE Select); coding-DNA position 432, T replaced by A.
Protein change: p.His144Gln; replaces histidine 144 with glutamine.
Molecular consequence: missense variant. On other transcripts: intron variant (1).
Genome position (GRCh38, 1-based): chr7:116,699,516, T>A. VCF-style: chr7-116699516-T-A. GRCh37 (hg19) VCF-style: chr7-116339570-T-A.
Other names: c.432T>A, p.His144Gln (NM_001127500.3, NM_001324401.3); c.-91+26939T>A (NM_001324402.2); short protein forms H144Q.
Identifiers: ClinVar variation 1739777 (VCV001739777.2), dbSNP rs2116588696, ClinGen allele CA368969067.

ClinVar aggregate classification (germline): Uncertain significance (1 of 4 stars; one submission).

Conditions:
Hereditary cancer-predisposing syndrome. Also called: Hereditary Cancer Syndrome; Hereditary neoplastic syndrome; Neoplastic Syndromes, Hereditary; Tumor predisposition. Identifiers: Orphanet 140162, MedGen C0027672, MeSH D009386, MONDO:0015356.

Allele frequency attached by ClinVar (database versions not stated): gnomAD exomes below 0.00001.
gnomAD v4.1: 1 of 1,614,064 alleles (0.000062%); highest among the groups gnomAD compares: South Asian, 0.0011%; no homozygotes.

Submission:

Ambry Genetics
Classification: Uncertain significance for Hereditary cancer-predisposing syndrome. Last evaluated: 2021-05-05. Review status: criteria provided, single submitter. Criteria: Ambry Variant Classification Scheme 2023. Collection method: clinical testing. Allele origin: germline.
Comment: The p.H144Q variant (also known as c.432T>A), located in coding exon 1 of the MET gene, results from a T to A substitution at nucleotide position 432. The histidine at codon 144 is replaced by glutamine, an amino acid with highly similar properties. This amino acid position is well conserved in available vertebrate species. In addition, this alteration is predicted to be tolerated by in silico analysis. Since supporting evidence is limited at this time, the clinical significance of this alteration remains unclear.